The following is an entry in ClinVar:

NM_153460.4(IL17RC):c.879C>G (p.Asp293Glu)

Gene: IL17RC (interleukin 17 receptor C; plus strand). Cytogenetic location: 3p25.3.
Variant type: single nucleotide variant.
Coding change: c.879C>G on transcript NM_153460.4 (MANE Select); coding-DNA position 879, C replaced by G.
Protein change: p.Asp293Glu; replaces aspartic acid 293 with glutamic acid.
Molecular consequence: missense variant. On other transcripts: non-coding transcript variant (1).
Genome position (GRCh38, 1-based): chr3:9,928,306, C>G. VCF-style: chr3-9928306-C-G. GRCh37 (hg19) VCF-style: chr3-9969990-C-G.
Other names: c.879C>G, p.Asp293Glu (NM_001203263.2, NM_001203264.2); c.834C>G, p.Asp278Glu (NM_001203265.2, NM_001367280.1, NM_001410711.1 and 1 more transcripts); c.840C>G, p.Asp280Glu (NM_001367278.1); c.759C>G, p.Asp253Glu (NM_001367279.1); c.1092C>G, p.Asp364Glu (NM_153461.4); short protein forms D278E, D293E, D364E, D253E, D280E.
Identifiers: ClinVar variation 2856396 (VCV002856396.3), dbSNP rs1438138208, ClinGen allele CA351761251.

ClinVar aggregate classification (germline): Uncertain significance (1 of 4 stars; one submission).

Conditions:
Candidiasis, familial, 9 (CANDF9). Identifiers: Orphanet 1334, MedGen C4225324, MONDO:0014642, OMIM 616445.

gnomAD v4.1: 1 of 1,607,582 alleles (0.000062%); highest among the groups gnomAD compares: Non-Finnish European, 0.000085%; no homozygotes.

Submission:

Labcorp Genetics (formerly Invitae), Labcorp
Classification: Uncertain significance for Candidiasis, familial, 9. Last evaluated: 2023-04-15. Review status: criteria provided, single submitter. Criteria: Invitae Variant Classification Sherloc (09022015). Collection method: clinical testing. Allele origin: germline.
Comment: This variant has not been reported in the literature in individuals affected with IL17RC-related conditions. In summary, the available evidence is currently insufficient to determine the role of this variant in disease. Therefore, it has been classified as a Variant of Uncertain Significance. An algorithm developed to predict the effect of missense changes on protein structure and function (PolyPhen-2) suggests that this variant is likely to be disruptive. This variant is not present in population databases (gnomAD no frequency). This sequence change replaces aspartic acid, which is acidic and polar, with glutamic acid, which is acidic and polar, at codon 364 of the IL17RC protein (p.Asp364Glu).